The following is an entry in ClinVar:

ClinVar aggregate classification (germline): Uncertain significance. Review status: criteria provided, single submitter (1 of 4 stars). 2 submissions from 2 submitters: Uncertain significance (1). 1 of the submissions does not count toward it. Last evaluated 2026-02-12.

Conditions:
Mild global developmental delay. Identifiers: MedGen C4012968, HP:0011342.

Submissions (2):

GeneDx
Classification: Uncertain significance. Last evaluated: 2026-02-12. Review status: criteria provided, single submitter. Criteria: GeneDx Variant Classification Process June 2021. Collection method: clinical testing. Allele origin: germline.
Comment: Not observed at significant frequency in large population cohorts (gnomAD); In silico analysis supports that this missense variant has a deleterious effect on protein structure/function; Has not been previously published as pathogenic or benign to our knowledge

Institute of Human Genetics, University of Wuerzburg
Classification: Uncertain significance for Mild global developmental delay. Review status: no assertion criteria provided. Collection method: clinical testing. Allele origin: unknown. Not counted in ClinVar's aggregate classification.

NM_007363.5(NONO):c.808C>T (p.Arg270Cys)

Gene: NONO (non-POU domain containing octamer binding; plus strand). Cytogenetic location: Xq13.1.
Variant type: single nucleotide variant.
Coding change: c.808C>T on transcript NM_007363.5 (MANE Select); coding-DNA position 808, C replaced by T.
Protein change: p.Arg270Cys; replaces arginine 270 with cysteine.
Molecular consequence: missense variant.
Genome position (GRCh38, 1-based): chrX:71,296,912, C>T. VCF-style: chrX-71296912-C-T. GRCh37 (hg19) VCF-style: chrX-70516762-C-T.
Other names: c.808C>T, p.Arg270Cys (NM_001145408.2, NM_001145409.2); c.541C>T, p.Arg181Cys (NM_001145410.2); short protein forms R181C, R270C.
Identifiers: ClinVar variation 689534 (VCV000689534.2), dbSNP rs1602389542, ClinGen allele CA413544228.